The following is an entry in ClinVar:

ClinVar aggregate classification (germline): Uncertain significance (1 of 4 stars; one submission).

Conditions:
Neuropathy, hereditary sensory and autonomic, type 1C. Also called: HSAN IC; HSN IC. Identifiers: Orphanet 36386, MedGen C3150896, MONDO:0013337, OMIM 613640.

Allele frequency attached by ClinVar (database versions not stated): gnomAD exomes below 0.00001.
gnomAD v4.1: 2 of 1,614,198 alleles (0.00012%); highest among the groups gnomAD compares: Non-Finnish European, 0.00017%; no homozygotes.

Submission:

Labcorp Genetics (formerly Invitae), Labcorp
Classification: Uncertain significance for Neuropathy, hereditary sensory and autonomic, type 1C. Last evaluated: 2022-10-25. Review status: criteria provided, single submitter. Criteria: Invitae Variant Classification Sherloc (09022015). Collection method: clinical testing. Allele origin: germline.
Comment: In summary, the available evidence is currently insufficient to determine the role of this variant in disease. Therefore, it has been classified as a Variant of Uncertain Significance. Algorithms developed to predict the effect of missense changes on protein structure and function (SIFT, PolyPhen-2, Align-GVGD) all suggest that this variant is likely to be tolerated. ClinVar contains an entry for this variant (Variation ID: 1393703). This variant has not been reported in the literature in individuals affected with SPTLC2-related conditions. This variant is not present in population databases (gnomAD no frequency). This sequence change replaces threonine, which is neutral and polar, with proline, which is neutral and non-polar, at codon 523 of the SPTLC2 protein (p.Thr523Pro).

NM_004863.4(SPTLC2):c.1567A>C (p.Thr523Pro)

Gene: SPTLC2 (serine palmitoyltransferase long chain base subunit 2; minus strand). Cytogenetic location: 14q24.3.
Variant type: single nucleotide variant.
Coding change: c.1567A>C on transcript NM_004863.4 (MANE Select); coding-DNA position 1567, A replaced by C.
Protein change: p.Thr523Pro; replaces threonine 523 with proline.
Molecular consequence: missense variant.
Genome position (GRCh38, 1-based): chr14:77,518,040, T>G on the plus strand (A>C on the coding strand, the complement: SPTLC2 is on the minus strand). VCF-style: chr14-77518040-T-G. GRCh37 (hg19) VCF-style: chr14-77984383-T-G.
Other names: short protein forms T523P.
Identifiers: ClinVar variation 1393703 (VCV001393703.8), dbSNP rs2139992960, ClinGen allele CA390699763.